The following is an entry in ClinVar:

NM_004714.3(DYRK1B):c.1682C>T (p.Pro561Leu)

Gene: DYRK1B (dual specificity tyrosine phosphorylation regulated kinase 1B; minus strand). Cytogenetic location: 19q13.2.
Variant type: single nucleotide variant.
Coding change: c.1682C>T on transcript NM_004714.3 (MANE Select); coding-DNA position 1682, C replaced by T.
Protein change: p.Pro561Leu; replaces proline 561 with leucine.
Molecular consequence: missense variant.
Genome position (GRCh38, 1-based): chr19:39,825,923, G>A on the plus strand (C>T on the coding strand, the complement: DYRK1B is on the minus strand). VCF-style: chr19-39825923-G-A. GRCh37 (hg19) VCF-style: chr19-40316563-G-A.
Other names: c.1562C>T, p.Pro521Leu (NM_006483.3); c.1598C>T, p.Pro533Leu (NM_006484.3); short protein forms P533L, P561L, P521L.
Identifiers: ClinVar variation 4990741 (VCV004990741.1).
Genomic context (GRCh38, chr19:39,825,923, plus strand): 5'-GCTGGGTGAGGTGGGGAGCAGTCAGCAGGGCCGCCCACCAGGCTCACATCCATCAGCTCC[G>A]GGGGTGGTGGTGAGGTTGGTGATGGGGGACGACCAAGGTATCGGGGCTGGGGGGGTAACT-3'
Protein context (NP_004705.1, residues 551-571): RPPSPTSPPP[Pro561Leu]ELMDVSLVGG

ClinVar aggregate classification (germline): Uncertain significance (1 of 4 stars; one submission).

Conditions:
DYRK1B-related disorder. Also called: DYRK1B-related condition.

gnomAD v4.1: 13 of 1,549,978 alleles (0.00084%); highest among the groups gnomAD compares: Middle Eastern, 0.035%; no homozygotes.

Submission:

PreventionGenetics, part of Exact Sciences
Classification: Uncertain significance for DYRK1B-related condition. Last evaluated: 2025-02-06. Review status: criteria provided, single submitter. Criteria: ACMG Guidelines, 2015. Collection method: clinical testing. Allele origin: germline.
Comment: The DYRK1B c.1682C>T variant is predicted to result in the amino acid substitution p.Pro561Leu. To our knowledge, this variant has not been reported in the literature. This variant is reported in 0.0052% of alleles in individuals of South Asian descent in gnomAD. At this time, the clinical significance of this variant is uncertain due to the absence of conclusive functional and genetic evidence.